The following is an entry in ClinVar:

NM_015295.3(SMCHD1):c.1132-175T>C

Gene: SMCHD1 (structural maintenance of chromosomes flexible hinge domain containing 1; plus strand). Cytogenetic location: 18p11.32.
Variant type: single nucleotide variant.
Coding change: c.1132-175T>C on transcript NM_015295.3 (MANE Select); 175 bases into the intron before coding-DNA position 1132, T replaced by C.
Molecular consequence: intron variant.
Genome position (GRCh38, 1-based): chr18:2,697,656, T>C. VCF-style: chr18-2697656-T-C. GRCh37 (hg19) VCF-style: chr18-2697654-T-C.
Identifiers: ClinVar variation 1700390 (VCV001700390.2), dbSNP rs73365813, ClinGen allele CA295471753.

ClinVar aggregate classification (germline): Likely benign (1 of 4 stars; one submission).

Allele frequency attached by ClinVar (database versions not stated): gnomAD 0.00567 and 0.00612; 1000 Genomes Project 0.00579; 1000 Genomes Project 30x 0.00609; TOPMed 0.00631.
gnomAD v4.1: 857 of 152,356 alleles (0.56%); highest among the groups gnomAD compares: African/African-American, 2%; 6 homozygotes.

Submission:

GeneDx
Classification: Likely benign. Last evaluated: 2022-02-08. Review status: criteria provided, single submitter. Criteria: GeneDx Variant Classification Process June 2021. Collection method: clinical testing. Allele origin: germline. Affected: yes.
Comment: See Variant Classification Assertion Criteria.